The following is an entry in ClinVar:

NM_053042.3(ZNF518B):c.1509C>G (p.Asn503Lys)

Gene: ZNF518B (zinc finger protein 518B; minus strand). Cytogenetic location: 4p16.1.
Variant type: single nucleotide variant.
Coding change: c.1509C>G on transcript NM_053042.3 (MANE Select); coding-DNA position 1509, C replaced by G.
Protein change: p.Asn503Lys; replaces asparagine 503 with lysine.
Molecular consequence: missense variant.
Genome position (GRCh38, 1-based): chr4:10,444,820, G>C on the plus strand (C>G on the coding strand, the complement: ZNF518B is on the minus strand). VCF-style: chr4-10444820-G-C. GRCh37 (hg19) VCF-style: chr4-10446444-G-C.
Other names: c.1509C>G, p.Asn503Lys (NM_001375816.1, NM_001375817.1); short protein forms N503K.
Identifiers: ClinVar variation 3770457 (VCV003770457.13).

ClinVar aggregate classification (germline): Likely benign (1 of 4 stars; one submission).

gnomAD v4.1: 4,388 of 1,614,024 alleles (0.27%); highest among the groups gnomAD compares: Non-Finnish European, 0.21%; 42 homozygotes.

Submission:

CeGaT Center for Human Genetics Tuebingen
Classification: Likely benign. Last evaluated: 2025-02-01. Review status: criteria provided, single submitter. Criteria: CeGaT Center For Human Genetics Tuebingen Variant Classification Criteria Version 2. Collection method: clinical testing. Allele origin: germline. Affected: yes. Observed: 1 variant allele.
Comment: ZNF518B: BP4, BS2